The following is an entry in ClinVar:

ClinVar aggregate classification (germline): Likely pathogenic (1 of 4 stars; one submission).

Conditions:
Hereditary angioedema type 1 (HAE1). Identifiers: Orphanet 100050, Orphanet 100051, Orphanet 91378, MedGen C2717906, MONDO:0015053, OMIM 106100.

Submission:

DNA-diagnostics Laboratory, Research Centre For Medical Genetics
Classification: Likely pathogenic for Hereditary angioedema type 1. Last evaluated: 2024-08-16. Review status: criteria provided, single submitter. Criteria: ACMG Guidelines, 2015. Collection method: research. Allele origin: germline. Inheritance: Autosomal dominant inheritance. Affected: yes. Observed: 1 heterozygote.
Comment: The pathogenic or likely pathogenic SERPING1 gene variants are detected in >90% of the HAE1/2 families and in >80% of the total HAE families (e.g., DOI: 10.1016/j.molimm.2008.05.007, 10.1159/2F000138883, 10.1016/j.molimm.2011.07.010). Such in silico algorithms as BayesDel, MutPred, REVEL support a deleterious effect of the c.971T>A variant with Moderate evidence of pathogenicity, when choosing at least two identical assessments and using the threshold ranges from ClinGen recommendations (DOI: 10.1016/j.ajhg.2022.10.013). At the same amino acid residue, a different missense change determined to be pathogenic has been seen before (DOI: 10.1016/j.molimm.2008.05.007, 10.1111/all.15034, 10.1016/j.jaci.2023.04.023, SCV005088186 in ClinVar). In summary, the c.971T>A variant in SERPING1 meets ACMG/ClinGen SVI guidance criteria to be classified as likely pathogenic: PP3_Mod, PM5, PM2_Sup, PP2

Literature cited by the submitters: DOI 10.1016/j.molimm.2008.05.007; DOI 10.1111/all.15034; DOI 10.1016/j.jaci.2023.04.023.

NM_000062.3(SERPING1):c.971T>A (p.Met324Lys)

Gene: SERPING1 (serpin family G member 1; plus strand). Cytogenetic location: 11q12.1.
Variant type: single nucleotide variant.
Coding change: c.971T>A on transcript NM_000062.3 (MANE Select); coding-DNA position 971, T replaced by A.
Protein change: p.Met324Lys; replaces methionine 324 with lysine.
Molecular consequence: missense variant.
Genome position (GRCh38, 1-based): chr11:57,606,489, T>A. VCF-style: chr11-57606489-T-A. GRCh37 (hg19) VCF-style: chr11-57373962-T-A.
Other names: c.971T>A, p.Met324Lys (NM_001032295.2); short protein forms M324K.
Identifiers: ClinVar variation 3338010 (VCV003338010.2).